The following is an entry in ClinVar:

ClinVar aggregate classification (germline): Pathogenic (1 of 4 stars; one submission).

Submission:

Labcorp Genetics (formerly Invitae), Labcorp
Classification: Pathogenic. Last evaluated: 2022-04-22. Review status: criteria provided, single submitter. Criteria: Invitae Variant Classification Sherloc (09022015). Collection method: clinical testing. Allele origin: germline.
Comment: This sequence change creates a premature translational stop signal (p.Pro302Argfs*9) in the SOX10 gene. While this is not anticipated to result in nonsense mediated decay, it is expected to disrupt the last 165 amino acid(s) of the SOX10 protein. This variant is not present in population databases (gnomAD no frequency). For these reasons, this variant has been classified as Pathogenic. This variant disrupts a region of the SOX10 protein in which other variant(s) (p.Gln399Valfs*2) have been determined to be pathogenic (PMID: 23237859). This suggests that this is a clinically significant region of the protein, and that variants that disrupt it are likely to be disease-causing. This variant has not been reported in the literature in individuals affected with SOX10-related conditions.

Literature cited by the submitters: PubMed 23237859.

NM_006941.4(SOX10):c.903del (p.Pro302fs)

Genes: POLR2F (RNA polymerase II, I and III subunit F; plus strand), SOX10 (SRY-box transcription factor 10; minus strand). Cytogenetic location: 22q13.1.
Variant type: Deletion.
Coding change: c.903del on transcript NM_006941.4 (MANE Select); coding-DNA position 903, one base deleted (G; older notation c.903delG).
Protein change: p.Pro302fs; shifts the reading frame from proline 302.
Molecular consequence: frameshift variant. On other transcripts: intron variant (3).
Genome position (GRCh38, 1-based): chr22:37,973,993, C deleted on the plus strand (G on the coding strand, the reverse complement: SOX10 is on the minus strand). VCF-style (leftmost placement, unchanged base first): chr22-37973992-GC-G. GRCh37 (hg19) VCF-style: chr22-38369999-GC-G.
Other names: c.*38+1683del (NM_001363825.1); c.293+6823del (NM_001301130.2, NM_001301131.2); short protein forms P302fs.
Identifiers: ClinVar variation 2127174 (VCV002127174.4), dbSNP rs2518042408, ClinGen allele CA2580099762.